The following is an entry in ClinVar:

ClinVar aggregate classification (germline): Uncertain significance (1 of 4 stars; one submission).

Conditions:
Methylmalonic acidemia with homocystinuria, type cblX (MAHCX). Also called: INTELLECTUAL DEVELOPMENTAL DISORDER, X-LINKED 3. Identifiers: Orphanet 369962, MedGen C0796208, MONDO:0010657, OMIM 309541.

Allele frequency attached by ClinVar (database versions not stated): gnomAD exomes below 0.00001.
gnomAD v4.1: 1 of 1,209,629 alleles (0.000083%); highest among the groups gnomAD compares: Non-Finnish European, 0.00011%; no homozygotes.

Submission:

New York Genome Center
Classification: Uncertain significance for Methylmalonic acidemia with homocystinuria, type cblX. Last evaluated: 2019-08-28. Review status: criteria provided, single submitter. Criteria: NYGC Assertion Criteria 2020. Collection method: clinical testing. Allele origin: maternal. Inheritance: X-linked inheritance. Observed: 1 hemizygote. Study: CSER-NYCKidSeq.
Comment: The hemizygous c.3257G>A (p.Gly1086Asp) variant identified in the HCFC1 gene substitutes a completely conserved Glycine for Aspartic Acid at amino acid 1086/2036 (coding exon 17/26). This variant is absent from gnomAD and ExAC suggesting it is not a common benign variant in the populations represented in these databases. In silico algorithms predict this variant to be Deleterious (Provean; score: -3.08) and Damaging (SIFT; score: 0.00) to the function of the canonical transcript.This variant is absent from ClinVar and to our current knowledge has not been reported in affected individuals in the literature. The Gly1086 residue is within the basic HCF-1 Pro domain of HCFC1, and missense variants within this domain and throughout the protein have been reported in affected individuals [PMID: 25740848]. Given the lack of compelling information regarding the pathogenicity of the c.3257G>A (p.Gly1086Asp) variant it is reported here as a Variant of Uncertain Significance.

NM_005334.3(HCFC1):c.3257G>A (p.Gly1086Asp)

Gene: HCFC1 (host cell factor C1; minus strand). Cytogenetic location: Xq28.
Variant type: single nucleotide variant.
Coding change: c.3257G>A on transcript NM_005334.3 (MANE Select); coding-DNA position 3257, G replaced by A.
Protein change: p.Gly1086Asp; replaces glycine 1086 with aspartic acid.
Molecular consequence: missense variant.
Genome position (GRCh38, 1-based): chrX:153,955,142, C>T on the plus strand (G>A on the coding strand, the complement: HCFC1 is on the minus strand). VCF-style: chrX-153955142-C-T. GRCh37 (hg19) VCF-style: chrX-153220593-C-T.
Other names: short protein forms G1086D.
Identifiers: ClinVar variation 996831 (VCV000996831.1), dbSNP rs2065362050, ClinGen allele CA415125195.